The following is an entry in ClinVar:

ClinVar aggregate classification (germline): Benign/Likely benign. Review status: criteria provided, multiple submitters, no conflicts (2 of 4 stars). 2 submissions from 2 submitters: Benign (1); Likely benign (1). Last evaluated 2026-01-21.

Conditions:
Birt-Hogg-Dube syndrome. Also called: Birt Hogg Dubé syndrome. Identifiers: Orphanet 122, MedGen C0346010, MONDO:0800444.
Birt-Hogg-Dube syndrome 1 (BHD1). Also called: FIBROFOLLICULOMAS WITH TRICHODISCOMAS AND ACROCHORDONS. Identifiers: Orphanet 122, MedGen CN375946, MONDO:0800445, OMIM 135150.

Allele frequency attached by ClinVar (database versions not stated): gnomAD exomes below 0.00001; gnomAD 0.00001; TOPMed 0.00001; ExAC 0.00002; 1000 Genomes Project 30x 0.00016.

Submissions (2):

Labcorp Genetics (formerly Invitae), Labcorp
Classification: Likely benign for Birt-Hogg-Dube syndrome. Last evaluated: 2026-01-21. Review status: criteria provided, single submitter. Criteria: Invitae Variant Classification Sherloc (09022015). Collection method: clinical testing. Allele origin: germline.

Myriad Genetics, Inc.
Classification: Benign for Birt-Hogg-Dube syndrome 1. Last evaluated: 2024-09-11. Review status: criteria provided, single submitter. Criteria: Myriad Autosomal Dominant, Autosomal Recessive and X-Linked Classification Criteria (2023). Collection method: clinical testing. Allele origin: unknown.
Comment: This variant is considered benign. This variant is intronic and is not expected to impact mRNA splicing. This variant has been observed at a population frequency that is significantly greater than expected given the associated disease prevalence and penetrance.

NM_144997.7(FLCN):c.1433-15del

Gene: FLCN (folliculin; minus strand). Cytogenetic location: 17p11.2.
Variant type: Deletion.
Coding change: c.1433-15del on transcript NM_144997.7 (MANE Select); 15 bases into the intron before coding-DNA position 1433, one base deleted (T; older notation c.1433-15delT).
Molecular consequence: intron variant.
Genome position (GRCh38, 1-based): chr17:17,215,105, A deleted on the plus strand (T on the coding strand, the reverse complement: FLCN is on the minus strand). VCF-style (leftmost placement, unchanged base first): chr17-17215104-CA-C. GRCh37 (hg19) VCF-style: chr17-17118418-CA-C.
Other names: c.1433-15del (NM_001353231.2, NM_001353230.2); c.1487-15del (NM_001353229.2).
Identifiers: ClinVar variation 2083252 (VCV002083252.5), dbSNP rs745790223, ClinGen allele CA8415967.
Genomic context (GRCh38, chr17:17,215,104, plus strand): 5'-CTGGTTGGTCAGAGCCGCTTCAATCTTATTCAGGATGGTGGGGCCCACTGGGGAGAAGGG[CA>C]GGGGCAGAGCAAGGGCAGGCGTTAGCGCGGGGCGGGGGCATCTTCTCACAAAAAGGACAC-3'